The following is an entry in ClinVar:

ClinVar aggregate classification (germline): Likely benign. Review status: criteria provided, multiple submitters, no conflicts (2 of 4 stars). 3 submissions from 3 submitters: Likely benign (3). Last evaluated 2026-01-08.

Conditions:
Vesicoureteral reflux 2 (VUR2). Identifiers: Orphanet 289365, MedGen C1970483, MONDO:0012573, OMIM 610878.

Allele frequency attached by ClinVar (database versions not stated): TOPMed 0.00001; gnomAD 0.00005 and 0.00006; gnomAD exomes 0.00005 and 0.00010; ExAC 0.00014.
gnomAD v4.1: 87 of 1,612,866 alleles (0.0054%); highest among the groups gnomAD compares: Non-Finnish European, 0.0017%; no homozygotes.

Submissions (3):

Labcorp Genetics (formerly Invitae), Labcorp
Classification: Likely benign. Last evaluated: 2026-01-08. Review status: criteria provided, single submitter. Criteria: Invitae Variant Classification Sherloc (09022015). Collection method: clinical testing. Allele origin: germline.

Fulgent Genetics
Classification: Likely benign for Vesicoureteral reflux 2. Last evaluated: 2022-02-16. Review status: criteria provided, single submitter. Criteria: ACMG Guidelines, 2015. Collection method: clinical testing. Allele origin: unknown.

Illumina Laboratory Services, Illumina
Classification: Likely benign for Vesicoureteral reflux 2. Last evaluated: 2018-01-12. Review status: criteria provided, single submitter. Criteria: ICSL Variant Classification Criteria 13 December 2019. Collection method: clinical testing. Allele origin: germline.
Comment: This variant was observed in the ICSL laboratory as part of a predisposition screen in an ostensibly healthy population. It had not been previously curated by ICSL or reported in the Human Gene Mutation Database (HGMD: prior to June 1st, 2018), and was therefore a candidate for classification through an automated scoring system. Utilizing variant allele frequency, disease prevalence and penetrance estimates, and inheritance mode, an automated score was calculated to assess if this variant is too frequent to cause the disease. Based on the score and internal cut-off values, a variant classified as likely benign is not then subjected to further curation. The score for this variant resulted in a classification of likely benign for this disease.

NM_001395656.1(ROBO2):c.1169C>T (p.Ala390Val)

Gene: ROBO2 (roundabout guidance receptor 2; plus strand). Cytogenetic location: 3p12.3.
Variant type: single nucleotide variant.
Coding change: c.1169C>T on transcript NM_001395656.1 (MANE Select); coding-DNA position 1169, C replaced by T.
Protein change: p.Ala390Val; replaces alanine 390 with valine.
Molecular consequence: missense variant. On other transcripts: 5 prime UTR variant (1).
Genome position (GRCh38, 1-based): chr3:77,550,915, C>T. VCF-style: chr3-77550915-C-T. GRCh37 (hg19) VCF-style: chr3-77600066-C-T.
Other names: c.1217C>T, p.Ala406Val (NM_001378190.1, NM_001378191.1, NM_001378195.1 and 4 more transcripts); c.1238C>T, p.Ala413Val (NM_001378192.1, NM_001378194.1, NM_001378198.1 and 2 more transcripts); c.1157C>T, p.Ala386Val (NM_001378193.1, NM_001378197.1, NM_002942.5); c.1205C>T, p.Ala402Val (NM_001128929.3); c.1169C>T, p.Ala390Val (NM_001290039.2, NM_001290040.2, NM_001378202.1); c.-762C>T (NM_001290065.2); c.1226C>T, p.Ala409Val (NM_001394212.1, NM_001394214.1, NM_001395657.1); short protein forms A386V, A402V, A390V, A406V, A409V, A413V.
Identifiers: ClinVar variation 346684 (VCV000346684.11), dbSNP rs199705591, ClinGen allele CA2496980.
Genomic context (GRCh38, chr3:77,550,915, plus strand): 5'-GTAGATGCTCAGTGTCACCAACTGGAGACCTCACAATCACCAACATTCAACGTTCCGACG[C>T]GGGTTACTACATCTGCCAGGCTTTAACTGTGGCAGGAAGCATTTTAGCAAAAGCTCAACT-3'
Protein context (NP_001382585.1, residues 380-400): LTITNIQRSD[Ala390Val]GYYICQALTV